The following is an entry in ClinVar:

NM_001083614.2(EARS2):c.*1327A>G

Genes: EARS2 (glutamyl-tRNA synthetase 2, mitochondrial; minus strand), GGA2 (golgi associated, gamma adaptin ear containing, ARF binding protein 2; minus strand). Cytogenetic location: 16p12.2.
Variant type: single nucleotide variant.
Coding change: c.*1327A>G on transcript NM_001083614.2 (MANE Select); 1327 bases downstream of the stop codon, A replaced by G.
Molecular consequence: 3 prime UTR variant. On other transcripts: non-coding transcript variant (1).
Genome position (GRCh38, 1-based): chr16:23,523,044, T>C on the plus strand (A>G on the coding strand, the complement: EARS2 is on the minus strand). VCF-style: chr16-23523044-T-C. GRCh37 (hg19) VCF-style: chr16-23534365-T-C.
Identifiers: ClinVar variation 318522 (VCV000318522.6), dbSNP rs72776116, ClinGen allele CA10647213.

ClinVar aggregate classification (germline): Likely benign. Review status: criteria provided, multiple submitters, no conflicts (2 of 4 stars). 2 submissions from 2 submitters: Likely benign (2). Last evaluated 2018-01-13.

Conditions:
Leukoencephalopathy-thalamus and brainstem anomalies-high lactate syndrome. Also called: LEUKOENCEPHALOPATHY WITH THALAMUS AND BRAINSTEM INVOLVEMENT AND HIGH LACTATE; Combined oxidative phosphorylation deficiency 12. Identifiers: Orphanet 314051, MedGen C4706421, MONDO:0013971, OMIM 614924.

Allele frequency attached by ClinVar (database versions not stated): 1000 Genomes Project 30x 0.00406; 1000 Genomes Project 0.00419; TOPMed 0.01168; gnomAD 0.01311 and 0.01372.

Submissions (2):

Illumina Laboratory Services, Illumina
Classification: Likely benign for Leukoencephalopathy-thalamus and brainstem anomalies-high lactate syndrome. Last evaluated: 2018-01-13. Review status: criteria provided, single submitter. Criteria: ICSL Variant Classification Criteria 13 December 2019. Collection method: clinical testing. Allele origin: germline.
Comment: This variant was observed in the ICSL laboratory as part of a predisposition screen in an ostensibly healthy population. It had not been previously curated by ICSL or reported in the Human Gene Mutation Database (HGMD: prior to June 1st, 2018), and was therefore a candidate for classification through an automated scoring system. Utilizing variant allele frequency, disease prevalence and penetrance estimates, and inheritance mode, an automated score was calculated to assess if this variant is too frequent to cause the disease. Based on the score and internal cut-off values, a variant classified as likely benign is not then subjected to further curation. The score for this variant resulted in a classification of likely benign for this disease.

Breakthrough Genomics
Classification: Likely benign. Review status: criteria provided, single submitter. Criteria: ACMG Guidelines, 2015. Collection method: not provided. Allele origin: germline. Inheritance: Autosomal recessive inheritance. Affected: yes.